The following is an entry in ClinVar:

ClinVar aggregate classification (germline): Uncertain significance (0 of 4 stars; one submission).

Conditions:
ALMS1-related disorder. Also called: ALMS1-related condition.

Submission:

PreventionGenetics, part of Exact Sciences
Classification: Uncertain significance for ALMS1-related condition. Last evaluated: 2024-05-07. Review status: no assertion criteria provided. Collection method: clinical testing. Allele origin: germline.
Comment: The ALMS1 c.2567C>T variant is predicted to result in the amino acid substitution p.Ser856Phe. To our knowledge, this variant has not been reported in the literature. This variant is reported in 0.037% of alleles in individuals of African descent in gnomAD. At this time, the clinical significance of this variant is uncertain due to the absence of conclusive functional and genetic evidence.

NM_001378454.1(ALMS1):c.2564C>T (p.Ser855Phe)

Gene: ALMS1 (ALMS1 centrosome and basal body associated protein; plus strand). Cytogenetic location: 2p13.1.
Variant type: single nucleotide variant.
Coding change: c.2564C>T on transcript NM_001378454.1 (MANE Select); coding-DNA position 2564, C replaced by T.
Protein change: p.Ser855Phe; replaces serine 855 with phenylalanine.
Molecular consequence: missense variant.
Genome position (GRCh38, 1-based): chr2:73,449,091, C>T. VCF-style: chr2-73449091-C-T. GRCh37 (hg19) VCF-style: chr2-73676218-C-T.
Other names: c.2567C>T, p.Ser856Phe (NM_015120.4); short protein forms S855F, S856F.
Identifiers: ClinVar variation 3352309 (VCV003352309.1).